The following is an entry in ClinVar:

NM_006343.3(MERTK):c.2681A>C (p.Asp894Ala)

Gene: MERTK (MER proto-oncogene, tyrosine kinase; plus strand). Cytogenetic location: 2q13.
Variant type: single nucleotide variant.
Coding change: c.2681A>C on transcript NM_006343.3 (MANE Select); coding-DNA position 2681, A replaced by C.
Protein change: p.Asp894Ala; replaces aspartic acid 894 with alanine.
Molecular consequence: missense variant.
Genome position (GRCh38, 1-based): chr2:112,028,545, A>C. VCF-style: chr2-112028545-A-C. GRCh37 (hg19) VCF-style: chr2-112786122-A-C.
Other names: short protein forms D894A.
Identifiers: ClinVar variation 2108003 (VCV002108003.4), dbSNP rs2466929163, ClinGen allele CA348243211.

ClinVar aggregate classification (germline): Uncertain significance (1 of 4 stars; one submission).

Submission:

Labcorp Genetics (formerly Invitae), Labcorp
Classification: Uncertain significance. Last evaluated: 2022-03-09. Review status: criteria provided, single submitter. Criteria: Invitae Variant Classification Sherloc (09022015). Collection method: clinical testing. Allele origin: germline.
Comment: This sequence change replaces aspartic acid, which is acidic and polar, with alanine, which is neutral and non-polar, at codon 894 of the MERTK protein (p.Asp894Ala). This variant is not present in population databases (gnomAD no frequency). This variant has not been reported in the literature in individuals affected with MERTK-related conditions. Algorithms developed to predict the effect of missense changes on protein structure and function (SIFT, PolyPhen-2, Align-GVGD) all suggest that this variant is likely to be disruptive. In summary, the available evidence is currently insufficient to determine the role of this variant in disease. Therefore, it has been classified as a Variant of Uncertain Significance.